The following is an entry in ClinVar:

NM_006563.5(KLF1):c.763C>A (p.Pro255Thr)

Genes: KLF1 (KLF transcription factor 1; minus strand), LOC117125591 (CRISPRi-FlowFISH-validated PRDX2 and RAD23A regulatory element; plus strand). Cytogenetic location: 19p13.13.
Variant type: single nucleotide variant.
Coding change: c.763C>A on transcript NM_006563.5 (MANE Select); coding-DNA position 763, C replaced by A.
Protein change: p.Pro255Thr; replaces proline 255 with threonine.
Molecular consequence: missense variant.
Genome position (GRCh38, 1-based): chr19:12,885,467, G>T on the plus strand (C>A on the coding strand, the complement: KLF1 is on the minus strand). VCF-style: chr19-12885467-G-T. GRCh37 (hg19) VCF-style: chr19-12996281-G-T.
Other names: short protein forms P255T.
Identifiers: ClinVar variation 4761731 (VCV004761731.1).

ClinVar aggregate classification (germline): Uncertain significance (1 of 4 stars; one submission).

Submission:

Labcorp Genetics (formerly Invitae), Labcorp
Classification: Uncertain significance. Last evaluated: 2025-10-24. Review status: criteria provided, single submitter. Criteria: Invitae Variant Classification Sherloc (09022015). Collection method: clinical testing. Allele origin: germline.
Comment: This sequence change replaces proline, which is neutral and non-polar, with threonine, which is neutral and polar, at codon 255 of the KLF1 protein (p.Pro255Thr). This variant is not present in population databases (gnomAD no frequency). This variant has not been reported in the literature in individuals affected with KLF1-related conditions. Invitae Evidence Modeling of protein sequence and biophysical properties (such as structural, functional, and spatial information, amino acid conservation, physicochemical variation, residue mobility, and thermodynamic stability) indicates that this missense variant is not expected to disrupt KLF1 protein function with a negative predictive value of 80%. In summary, the available evidence is currently insufficient to determine the role of this variant in disease. Therefore, it has been classified as a Variant of Uncertain Significance.